The following is an entry in ClinVar:

ClinVar aggregate classification (germline): Uncertain significance (1 of 4 stars; one submission).

Submission:

Labcorp Genetics (formerly Invitae), Labcorp
Classification: Uncertain significance. Last evaluated: 2023-12-11. Review status: criteria provided, single submitter. Criteria: Invitae Variant Classification Sherloc (09022015). Collection method: clinical testing. Allele origin: germline.
Comment: This sequence change replaces glutamic acid, which is acidic and polar, with glutamine, which is neutral and polar, at codon 1275 of the KAT6A protein (p.Glu1275Gln). This variant is not present in population databases (gnomAD no frequency). This variant has not been reported in the literature in individuals affected with KAT6A-related conditions. Advanced modeling of protein sequence and biophysical properties (such as structural, functional, and spatial information, amino acid conservation, physicochemical variation, residue mobility, and thermodynamic stability) performed at Invitae indicates that this missense variant is not expected to disrupt KAT6A protein function with a negative predictive value of 80%. In summary, the available evidence is currently insufficient to determine the role of this variant in disease. Therefore, it has been classified as a Variant of Uncertain Significance.

NM_006766.5(KAT6A):c.3823G>C (p.Glu1275Gln)

Gene: KAT6A (lysine acetyltransferase 6A; minus strand). Cytogenetic location: 8p11.21.
Variant type: single nucleotide variant.
Coding change: c.3823G>C on transcript NM_006766.5 (MANE Select); coding-DNA position 3823, G replaced by C.
Protein change: p.Glu1275Gln; replaces glutamic acid 1275 with glutamine.
Molecular consequence: missense variant.
Genome position (GRCh38, 1-based): chr8:41,934,397, C>G on the plus strand (G>C on the coding strand, the complement: KAT6A is on the minus strand). VCF-style: chr8-41934397-C-G. GRCh37 (hg19) VCF-style: chr8-41791915-C-G.
Other names: short protein forms E1275Q.
Identifiers: ClinVar variation 2747763 (VCV002747763.3), dbSNP rs2486757257, ClinGen allele CA371068248.
Genomic context (GRCh38, chr8:41,934,397, plus strand): 5'-CCTCTAATTCCTGCTGCTCCTCCTCTGACTGCCTCTGCTCCTCTGAGACACGGGGCTTCT[C>G]TTCTTCCTCCTCCACCTCAGGCTCCTTGGTTTCGGTCTCAGGACTATTGCTGCTGTCTGC-3'
Protein context (NP_006757.2, residues 1265-1285): TKEPEVEEEE[Glu1275Gln]KPRVSEEQRQ